The following is an entry in ClinVar:

NM_000094.4(COL7A1):c.1186A>G (p.Ser396Gly)

Gene: COL7A1 (collagen type VII alpha 1 chain; minus strand). Cytogenetic location: 3p21.31.
Variant type: single nucleotide variant.
Coding change: c.1186A>G on transcript NM_000094.4 (MANE Select); coding-DNA position 1186, A replaced by G.
Protein change: p.Ser396Gly; replaces serine 396 with glycine.
Molecular consequence: missense variant.
Genome position (GRCh38, 1-based): chr3:48,592,156, T>C on the plus strand (A>G on the coding strand, the complement: COL7A1 is on the minus strand). VCF-style: chr3-48592156-T-C. GRCh37 (hg19) VCF-style: chr3-48629589-T-C.
Other names: short protein forms S396G.
Identifiers: ClinVar variation 3699260 (VCV003699260.2).

ClinVar aggregate classification (germline): Uncertain significance (1 of 4 stars; one submission).

gnomAD v4.1: 2 of 1,614,076 alleles (0.00012%); highest among the groups gnomAD compares: East Asian, 0.0022%; no homozygotes.

Submission:

Labcorp Genetics (formerly Invitae), Labcorp
Classification: Uncertain significance. Last evaluated: 2024-10-03. Review status: criteria provided, single submitter. Criteria: Invitae Variant Classification Sherloc (09022015). Collection method: clinical testing. Allele origin: germline.
Comment: This sequence change replaces serine, which is neutral and polar, with glycine, which is neutral and non-polar, at codon 396 of the COL7A1 protein (p.Ser396Gly). This variant is not present in population databases (gnomAD no frequency). This variant has not been reported in the literature in individuals affected with COL7A1-related conditions. Invitae Evidence Modeling of protein sequence and biophysical properties (such as structural, functional, and spatial information, amino acid conservation, physicochemical variation, residue mobility, and thermodynamic stability) indicates that this missense variant is not expected to disrupt COL7A1 protein function with a negative predictive value of 95%. In summary, the available evidence is currently insufficient to determine the role of this variant in disease. Therefore, it has been classified as a Variant of Uncertain Significance.